The following is an entry in ClinVar:

ClinVar aggregate classification (germline): Conflicting classifications of pathogenicity. Review status: criteria provided, conflicting classifications (1 of 4 stars). 2 submissions from 2 submitters: Uncertain significance (1); Likely benign (1). Last evaluated 2024-09-20.

Conditions:
Early-infantile DEE. Also called: Early infantile epileptic encephalopathy; Ohtahara syndrome; Early infantile epileptic encephalopathy with suppression bursts. Identifiers: Orphanet 1934, MedGen C0393706, MONDO:0800491.
Developmental and epileptic encephalopathy, 24 (DEE24). Also called: Epileptic encephalopathy, early infantile, 24. Identifiers: Orphanet 442835, MedGen C4014531, MONDO:0014377, OMIM 615871.
Generalized epilepsy with febrile seizures plus, type 10. Also called: GEFS+, TYPE 10. Identifiers: MedGen C5193120, MONDO:0032777, OMIM 618482.

Submissions (2):

3billion
Classification: Likely benign for Developmental and epileptic encephalopathy, 24; Generalized epilepsy with febrile seizures plus, type 10. Last evaluated: 2024-09-20. Review status: criteria provided, single submitter. Criteria: ACMG Guidelines, 2015. Collection method: clinical testing. Allele origin: germline. Affected: no.
Comment: The variant was identified in at least one patient who was diagnosed with a different variant in another gene and showed no symptoms related to the gene containing the variant in question.

Labcorp Genetics (formerly Invitae), Labcorp
Classification: Uncertain significance for Early-infantile DEE. Last evaluated: 2023-07-09. Review status: criteria provided, single submitter. Criteria: Invitae Variant Classification Sherloc (09022015). Collection method: clinical testing. Allele origin: germline.
Comment: In summary, the available evidence is currently insufficient to determine the role of this variant in disease. Therefore, it has been classified as a Variant of Uncertain Significance. Advanced modeling of protein sequence and biophysical properties (such as structural, functional, and spatial information, amino acid conservation, physicochemical variation, residue mobility, and thermodynamic stability) performed at Invitae indicates that this missense variant is not expected to disrupt HCN1 protein function. This variant has not been reported in the literature in individuals affected with HCN1-related conditions. This variant is not present in population databases (gnomAD no frequency). This sequence change replaces glutamine, which is neutral and polar, with proline, which is neutral and non-polar, at codon 749 of the HCN1 protein (p.Gln749Pro).

NM_021072.4(HCN1):c.2246A>C (p.Gln749Pro)

Gene: HCN1 (hyperpolarization activated cyclic nucleotide gated potassium channel 1; minus strand). Cytogenetic location: 5p12.
Variant type: single nucleotide variant.
Coding change: c.2246A>C on transcript NM_021072.4 (MANE Select); coding-DNA position 2246, A replaced by C.
Protein change: p.Gln749Pro; replaces glutamine 749 with proline.
Molecular consequence: missense variant.
Genome position (GRCh38, 1-based): chr5:45,262,348, T>G on the plus strand (A>C on the coding strand, the complement: HCN1 is on the minus strand). VCF-style: chr5-45262348-T-G. GRCh37 (hg19) VCF-style: chr5-45262450-T-G.
Other names: short protein forms Q749P.
Identifiers: ClinVar variation 2963474 (VCV002963474.4), dbSNP rs2478181993, ClinGen allele CA359703738.